The following is an entry in ClinVar:

NM_000443.4(ABCB4):c.66A>G (p.Glu22=)

Gene: ABCB4 (ATP binding cassette subfamily B member 4; minus strand). Cytogenetic location: 7q21.12.
Variant type: single nucleotide variant.
Coding change: c.66A>G on transcript NM_000443.4 (MANE Select); coding-DNA position 66, A replaced by G.
Protein change: p.Glu22=; no amino-acid change (glutamic acid 22 retained).
Molecular consequence: synonymous variant.
Genome position (GRCh38, 1-based): chr7:87,475,400, T>C on the plus strand (A>G on the coding strand, the complement: ABCB4 is on the minus strand). VCF-style: chr7-87475400-T-C. GRCh37 (hg19) VCF-style: chr7-87104716-T-C.
Other names: c.66A>G (NM_000443.3); c.66A>G, p.Glu22= (NM_018849.3, NM_018850.3).
Identifiers: ClinVar variation 2967482 (VCV002967482.4), dbSNP rs759437240, ClinGen allele CA4327648.

ClinVar aggregate classification (germline): Likely benign. Review status: criteria provided, multiple submitters, no conflicts (2 of 4 stars). 2 submissions from 2 submitters: Likely benign (2). Last evaluated 2025-04-18.

Conditions:
ABCB4-related disorder. Also called: ABCB4-related disorders; ABCB4-related condition.

Allele frequency attached by ClinVar (database versions not stated): TOPMed 0.00001; gnomAD 0.00002; gnomAD exomes 0.00002; ExAC 0.00004.
gnomAD v4.1: 28 of 1,614,082 alleles (0.0017%); highest among the groups gnomAD compares: Middle Eastern, 0.033%; 1 homozygote.

Submissions (2):

PreventionGenetics, part of Exact Sciences
Classification: Likely benign for ABCB4-related condition. Last evaluated: 2025-04-18. Review status: criteria provided, single submitter. Criteria: ACMG Guidelines, 2015. Collection method: clinical testing. Allele origin: germline.
Comment: This variant is classified as likely benign based on ACMG/AMP sequence variant interpretation guidelines (Richards et al. 2015 PMID: 25741868, with internal and published modifications).

Labcorp Genetics (formerly Invitae), Labcorp
Classification: Likely benign. Last evaluated: 2024-02-14. Review status: criteria provided, single submitter. Criteria: Invitae Variant Classification Sherloc (09022015). Collection method: clinical testing. Allele origin: germline.